The following is an entry in ClinVar:

ClinVar aggregate classification (germline): Uncertain significance. Review status: criteria provided, multiple submitters, no conflicts (2 of 4 stars). 2 submissions from 2 submitters: Uncertain significance (2). Last evaluated 2023-10-02.

Conditions:
Inborn genetic diseases. Identifiers: MedGen C0950123, MeSH D030342.

Submissions (2):

Ambry Genetics
Classification: Uncertain significance for Inborn genetic diseases. Last evaluated: 2023-10-02. Review status: criteria provided, single submitter. Criteria: Ambry Variant Classification Scheme 2023. Collection method: clinical testing. Allele origin: germline.

Labcorp Genetics (formerly Invitae), Labcorp
Classification: Uncertain significance. Last evaluated: 2020-08-27. Review status: criteria provided, single submitter. Criteria: Invitae Variant Classification Sherloc (09022015). Collection method: clinical testing. Allele origin: germline.
Comment: This sequence change replaces serine with isoleucine at codon 245 of the COL7A1 protein (p.Ser245Ile). The serine residue is weakly conserved and there is a large physicochemical difference between serine and isoleucine. This variant is not present in population databases (ExAC no frequency). This variant has not been reported in the literature in individuals with COL7A1-related conditions. Algorithms developed to predict the effect of missense changes on protein structure and function are either unavailable or do not agree on the potential impact of this missense change (SIFT: "Deleterious"; PolyPhen-2: "Not Available"; Align-GVGD: "Class C0"). In summary, the available evidence is currently insufficient to determine the role of this variant in disease. Therefore, it has been classified as a Variant of Uncertain Significance.

NM_000094.4(COL7A1):c.734G>T (p.Ser245Ile)

Gene: COL7A1 (collagen type VII alpha 1 chain; minus strand). Cytogenetic location: 3p21.31.
Variant type: single nucleotide variant.
Coding change: c.734G>T on transcript NM_000094.4 (MANE Select); coding-DNA position 734, G replaced by T.
Protein change: p.Ser245Ile; replaces serine 245 with isoleucine.
Molecular consequence: missense variant.
Genome position (GRCh38, 1-based): chr3:48,592,887, C>A on the plus strand (G>T on the coding strand, the complement: COL7A1 is on the minus strand). VCF-style: chr3-48592887-C-A. GRCh37 (hg19) VCF-style: chr3-48630320-C-A.
Other names: short protein forms S245I.
Identifiers: ClinVar variation 1989108 (VCV001989108.2), dbSNP rs1414927878, ClinGen allele CA352742390.